The following is an entry in ClinVar:

ClinVar aggregate classification (germline): Uncertain significance (1 of 4 stars; one submission).

Conditions:
MHC class II deficiency. Also called: BLS, TYPE II; Bare lymphocyte syndrome 2. Identifiers: Orphanet 572, MedGen C5447452, MONDO:0008855.

Submission:

Labcorp Genetics (formerly Invitae), Labcorp
Classification: Uncertain significance for MHC class II deficiency. Last evaluated: 2020-08-07. Review status: criteria provided, single submitter. Criteria: Invitae Variant Classification Sherloc (09022015). Collection method: clinical testing. Allele origin: germline.
Comment: This sequence change replaces proline with arginine at codon 150 of the RFXANK protein (p.Pro150Arg). The proline residue is highly conserved and there is a moderate physicochemical difference between proline and arginine. This variant is not present in population databases (ExAC no frequency). This variant has not been reported in the literature in individuals with RFXANK-related conditions. Algorithms developed to predict the effect of missense changes on protein structure and function are either unavailable or do not agree on the potential impact of this missense change (SIFT: "Tolerated"; PolyPhen-2: "Probably Damaging"; Align-GVGD: "Class C0"). In summary, the available evidence is currently insufficient to determine the role of this variant in disease. Therefore, it has been classified as a Variant of Uncertain Significance.

NM_003721.4(RFXANK):c.449C>G (p.Pro150Arg)

Gene: RFXANK (regulatory factor X associated ankyrin containing protein; plus strand). Cytogenetic location: 19p13.11.
Variant type: single nucleotide variant.
Coding change: c.449C>G on transcript NM_003721.4 (MANE Select); coding-DNA position 449, C replaced by G.
Protein change: p.Pro150Arg; replaces proline 150 with arginine.
Molecular consequence: missense variant.
Genome position (GRCh38, 1-based): chr19:19,198,117, C>G. VCF-style: chr19-19198117-C-G. GRCh37 (hg19) VCF-style: chr19-19308926-C-G.
Other names: c.383C>G, p.Pro128Arg (NM_001370234.1, NM_001278727.2); c.446C>G, p.Pro149Arg (NM_001370235.1, NM_001370236.1, NM_001370237.1); c.449C>G, p.Pro150Arg (NM_001370238.1, NM_001370233.1); c.380C>G, p.Pro127Arg (NM_134440.3, NM_001278728.2); short protein forms P127R, P128R, P149R, P150R.
Identifiers: ClinVar variation 1053684 (VCV001053684.9), dbSNP rs2146492497, ClinGen allele CA404895470.